The following is an entry in ClinVar:

ClinVar aggregate classification (germline): Uncertain significance (1 of 4 stars; one submission).

Conditions:
Cardiovascular phenotype. Identifiers: MedGen CN230736.

Submission:

Ambry Genetics
Classification: Uncertain significance for Cardiovascular phenotype. Last evaluated: 2026-07-19. Review status: criteria provided, single submitter. Criteria: Ambry Variant Classification Scheme 2023. Collection method: clinical testing. Allele origin: germline.
Comment: The p.L2443P variant (also known as c.7328T>C), located in coding exon 38 of the ANK2 gene, results from a T to C substitution at nucleotide position 7328. The leucine at codon 2443 is replaced by proline, an amino acid with similar properties. This amino acid position is conserved. In addition, this alteration is predicted to be deleterious by in silico analysis. Based on the available evidence, the clinical significance of this variant remains unclear.

NM_001148.6(ANK2):c.7328T>C (p.Leu2443Pro)

Genes: ANK2 (ankyrin 2; plus strand), LOC126807137 (CDK7 strongly-dependent group 2 enhancer GRCh37_chr4:114276560-114277759; plus strand). Cytogenetic location: 4q26.
Variant type: single nucleotide variant.
Coding change: c.7328T>C on transcript NM_001148.6 (MANE Select); coding-DNA position 7328, T replaced by C.
Protein change: p.Leu2443Pro; replaces leucine 2443 with proline.
Molecular consequence: missense variant. On other transcripts: intron variant (68).
Genome position (GRCh38, 1-based): chr4:113,355,946, T>C. VCF-style: chr4-113355946-T-C. GRCh37 (hg19) VCF-style: chr4-114277102-T-C.
Other names: c.7094T>C, p.Leu2365Pro (NM_001386142.1); c.3728T>C, p.Leu1243Pro (NM_001386166.1); c.7469T>C, p.Leu2490Pro (NM_001386174.1); c.7445T>C, p.Leu2482Pro (NM_001386175.1); c.4412-4877T>C (NM_001386186.2, NM_001386148.2); c.4214-4877T>C (NM_001354269.3); c.4292-4877T>C (NM_001386187.2); c.4253-4877T>C (NM_001386147.1); and 35 more; short protein forms L2443P, L2482P, L2365P, L2490P, L1243P.
Identifiers: ClinVar variation 5021827 (VCV005021827.1).